The following is an entry in ClinVar:

NM_030930.4(UNC93B1):c.424G>A (p.Ala142Thr)

Gene: UNC93B1 (unc-93B1 regulator of TLR signaling; minus strand). Cytogenetic location: 11q13.2.
Variant type: single nucleotide variant.
Coding change: c.424G>A on transcript NM_030930.4 (MANE Select); coding-DNA position 424, G replaced by A.
Protein change: p.Ala142Thr; replaces alanine 142 with threonine.
Molecular consequence: missense variant.
Genome position (GRCh38, 1-based): chr11:67,999,649, C>T on the plus strand (G>A on the coding strand, the complement: UNC93B1 is on the minus strand). VCF-style: chr11-67999649-C-T. GRCh37 (hg19) VCF-style: chr11-67767119-C-T.
Other names: short protein forms A142T.
Identifiers: ClinVar variation 652648 (VCV000652648.6), dbSNP rs190159924, ClinGen allele CA6145659.

ClinVar aggregate classification (germline): Uncertain significance (1 of 4 stars; one submission).

Conditions:
Encephalopathy, acute, infection-induced (herpes-specific), susceptibility to, 1. Also called: Herpes simplex encephalitis, susceptibility to, 1. Identifiers: Orphanet 1930, MedGen C2750180, MONDO:0024563, OMIM 610551.

Allele frequency attached by ClinVar (database versions not stated): gnomAD 0.00006 and 0.00007; ExAC 0.00008; 1000 Genomes Project 30x 0.00031; 1000 Genomes Project 0.00040; TOPMed 0.00003; gnomAD exomes 0.00005.
gnomAD v4.1: 117 of 1,611,846 alleles (0.0073%); highest among the groups gnomAD compares: Admixed American, 0.015%; no homozygotes.

Submission:

Labcorp Genetics (formerly Invitae), Labcorp
Classification: Uncertain significance for Encephalopathy, acute, infection-induced (herpes-specific), susceptibility to, 1. Last evaluated: 2022-07-19. Review status: criteria provided, single submitter. Criteria: Invitae Variant Classification Sherloc (09022015). Collection method: clinical testing. Allele origin: germline.
Comment: This sequence change replaces alanine with threonine at codon 142 of the UNC93B1 protein (p.Ala142Thr). The alanine residue is moderately conserved and there is a small physicochemical difference between alanine and threonine. This variant is present in population databases (rs190159924, gnomAD 0.02%). This variant has not been reported in the literature in individuals affected with UNC93B1-related conditions. ClinVar contains an entry for this variant (Variation ID: 652648). In summary, the available evidence is currently insufficient to determine the role of this variant in disease. Therefore, it has been classified as a Variant of Uncertain Significance.